The following is an entry in ClinVar:

ClinVar aggregate classification (germline): Pathogenic. Review status: criteria provided, multiple submitters, no conflicts (2 of 4 stars). 2 submissions from 2 submitters: Pathogenic (2). Last evaluated 2019-02-01.

Conditions:
Microcephaly with or without chorioretinopathy, lymphedema, or impaired intellectual development. Also called: Microcephaly lymphedema chorioretinal dysplasia; Microcephaly with or without chorioretinopathy, lymphedema, or intellectual disability; Microcephaly with or without chorioretinopathy, lymphedema, or mental retardation; MICROCEPHALY AND CHORIORETINOPATHY WITH OR WITHOUT MENTAL RETARDATION, AUTOSOMAL DOMINANT; MICROCEPHALY, LYMPHEDEMA, CHORIORETINAL DYSPLASIA SYNDROME. Identifiers: Orphanet 2526, MedGen C1835265, MONDO:0007918, OMIM 152950.

Submissions (2):

Centre for Genomic Medicine, Manchester, Central Manchester University Hospitals
Classification: Pathogenic for Microcephaly with or without chorioretinopathy, lymphedema, or impaired intellectual development. Last evaluated: 2019-02-01. Review status: criteria provided, single submitter. Criteria: ACMG Guidelines, 2015. Collection method: clinical testing. Allele origin: germline. Affected: yes. Observed: 1 variant allele, 1 heterozygote.

Juno Genomics, Hangzhou Juno Genomics, Inc
Classification: Pathogenic for Microcephaly with or without chorioretinopathy, lymphedema, or impaired intellectual development. Review status: criteria provided, single submitter. Criteria: ACMG Guidelines, 2015. Collection method: clinical testing. Allele origin: germline. Affected: yes.
Comment: Absent from controls (or at extremely low frequency if recessive) in Genome Aggregation Database.;De novo (both maternity and paternity confirmed) in a patient with the disease and no family history.;Null variant in a gene where loss of function (LOF) is a known mechanism of disease.;The prevalence of the variant in affected individuals is significantly increased compared to the prevalence in controls.

NM_004523.4(KIF11):c.478_479del (p.Leu160fs)

Gene: KIF11 (kinesin family member 11; plus strand). Cytogenetic location: 10q23.33.
Variant type: Microsatellite.
Coding change: c.478_479del on transcript NM_004523.4 (MANE Select); coding-DNA positions 478 to 479, 2 bases deleted (CT; older notation c.478_479delCT).
Protein change: p.Leu160fs; shifts the reading frame from leucine 160.
Molecular consequence: frameshift variant.
Genome position (GRCh38, 1-based): chr10:92,609,110-92,609,111, CT deleted; deleting any 2 consecutive bases within chr10:92,609,107-92,609,111 gives the same sequence; the c. name uses the placement nearest the transcript's 3' end. VCF-style (leftmost placement, unchanged base first): chr10-92609106-GTC-G. GRCh37 (hg19) VCF-style: chr10-94368863-GTC-G.
Other names: short protein forms L160fs.
Identifiers: ClinVar variation 812110 (VCV000812110.2), dbSNP rs1589591659, ClinGen allele CA915947509.